The following is an entry in ClinVar:

NM_000044.6(AR):c.171GCA[25] (p.Gln79_Gln80dup)

Genes: AR (androgen receptor; plus strand), LOC109504725 (androgen receptor repeat instability region; plus strand). Cytogenetic location: Xq12.
Variant type: Microsatellite.
Coding change: c.171GCA[25] on transcript NM_000044.6 (MANE Select); 25 copies in a row of the 3-base unit GCA starting at c.171; the reference has 23 copies in a row; two copies, 6 bases duplicated.
Protein change: p.Gln79_Gln80dup.
Molecular consequence: inframe insertion. On other transcripts: 5 prime UTR variant (1).
Genome position (GRCh38, 1-based): chrX:67,545,380-67,545,385, GCAGCA duplicated; duplicating any 6 consecutive bases within chrX:67,545,317-67,545,385 gives the same sequence; the position shown is the placement nearest the transcript's 3' end. VCF-style (leftmost placement, unchanged base first): chrX-67545316-T-TGCAGCA. GRCh37 (hg19) VCF-style: chrX-66765158-T-TGCAGCA.
Other names: c.234_239dupGCAGCA (NM_000044.6); c.-1613GCA[25] (NM_001011645.3); c.171GCA[25], p.Gln79_Gln80dup (NM_001348061.1, NM_001348063.1, NM_001348064.1).
Identifiers: ClinVar variation 290422 (VCV000290422.26), dbSNP rs3032358, ClinGen allele CA10606771.

ClinVar aggregate classification (germline): Benign/Likely benign. Review status: criteria provided, multiple submitters, no conflicts (2 of 4 stars). 10 submissions from 10 submitters: Benign (6); Likely benign (1). 3 of the submissions do not count toward it. Last evaluated 2026-01-25.

Conditions:
Kennedy disease (SMAX1). Also called: KENNEDY SPINAL AND BULBAR MUSCULAR ATROPHY; Spinal and Bulbar Muscular Atrophy; SPINAL AND BULBAR MUSCULAR ATROPHY, X-LINKED 1. Identifiers: Orphanet 481, MedGen C1839259, MONDO:0010735, OMIM 313200.
Androgen resistance syndrome (AIS). Also called: DIHYDROTESTOSTERONE RECEPTOR DEFICIENCY; Androgen insensitivity syndrome; Androgen insensitivity syndrome due to coactivator deficiency; Androgen insensitivity, complete; Androgen insensitivity; DHTR DEFICIENCY. Identifiers: Orphanet 754, Orphanet 99429, MedGen C0039585, MONDO:0019154, OMIM 300068. Disease mechanism: loss of function.
Partial androgen insensitivity syndrome (PAIS). Also called: Gynecomastia, familial; Reifenstein syndrome; Pseudohermaphroditism, Incomplete male, type I; Reifenstein syndrome, partial; Androgen resistance syndrome, partial; Type I familial incomplete male pseudohermaphroditism. Identifiers: Orphanet 90797, MedGen C0268301, MONDO:0010720, OMIM 312300.

Submissions (10):

Labcorp Genetics (formerly Invitae), Labcorp
Classification: Benign for Kennedy disease; Androgen resistance syndrome. Last evaluated: 2026-01-25. Review status: criteria provided, single submitter. Criteria: Invitae Variant Classification Sherloc (09022015). Collection method: clinical testing. Allele origin: germline.

Laboratory of Genetics, Children's Clinical University Hospital Latvia
Classification: Benign. Last evaluated: 2025-02-16. Review status: criteria provided, single submitter. Criteria: ACMG Guidelines, 2015. Collection method: clinical testing. Allele origin: germline. Affected: yes.

Blueprint Genetics
Classification: Likely benign. Last evaluated: 2024-11-28. Review status: criteria provided, single submitter. Criteria: ACMG Guidelines, 2015. Collection method: clinical testing. Allele origin: germline.

Molecular Genetics, Royal Melbourne Hospital
Classification: Benign for Partial androgen insensitivity syndrome. Last evaluated: 2023-05-04. Review status: criteria provided, single submitter. Criteria: ACMG Guidelines, 2015. Collection method: clinical testing. Allele origin: germline. Affected: yes.
Comment: European Non-Finnish population allele frequency is 10.38% (rs78686797, 364/3209 alleles, 0 homozygotes, 3 hemizygotes in gnomAD v2.1). Based on the classification scheme RMH Modified ACMG/AMP Guidelines v1.3.2, this variant is classified as BENIGN. Following criteria are met: BA1

Genetic Services Laboratory, University of Chicago
Classification: Benign. Last evaluated: 2020-06-18. Review status: criteria provided, single submitter. Criteria: ACMG Guidelines, 2015. Collection method: clinical testing. Allele origin: germline. Affected: no.

GeneDx
Classification: Benign. Last evaluated: 2019-11-03. Review status: criteria provided, single submitter. Criteria: GeneDx Variant Classification Process June 2021. Collection method: clinical testing. Allele origin: germline. Affected: yes.

Eurofins Ntd Llc (ga)
Classification: Benign. Last evaluated: 2016-08-31. Review status: criteria provided, single submitter. Criteria: EGL Classification Definitions. Collection method: clinical testing. Allele origin: germline. Observed: 1 variant allele, 1 hemizygote.

Clinical Genetics DNA and cytogenetics Diagnostics Lab, Erasmus MC, Erasmus Medical Center
Classification: Benign. Review status: no assertion criteria provided. Collection method: clinical testing. Allele origin: germline. Affected: yes. Study: VKGL Data-share Consensus. Not counted in ClinVar's aggregate classification.

Genome Diagnostics Laboratory, University Medical Center Utrecht
Classification: Benign. Review status: no assertion criteria provided. Collection method: clinical testing. Allele origin: germline. Affected: yes. Study: VKGL Data-share Consensus. Not counted in ClinVar's aggregate classification.

Laboratory of Diagnostic Genome Analysis, Leiden University Medical Center (LUMC)
Classification: Likely benign. Review status: no assertion criteria provided. Collection method: clinical testing. Allele origin: germline. Affected: yes. Study: VKGL Data-share Consensus. Not counted in ClinVar's aggregate classification.